The following is an entry in ClinVar:

ClinVar aggregate classification (germline): Likely pathogenic (1 of 4 stars; one submission).

Conditions:
Usher syndrome type 2A. Also called: RETINAL DISEASE IN USHER SYNDROME TYPE IIA, MODIFIER OF; USHER SYNDROME, TYPE IIA. Identifiers: Orphanet 231178, Orphanet 886, MedGen C1848634, MONDO:0010169, OMIM 276901.

Submission:

Natera, Inc.
Classification: Likely pathogenic for Usher syndrome type 2A. Last evaluated: 2025-08-01. Review status: criteria provided, single submitter. Criteria: Natera Variant Classification Schema (03/2026). Collection method: clinical testing. Allele origin: germline.
Comment: The c.1143+1del variant in USH2A is a canonical splice donor site variant predicted to affect pre-mRNA splicing, which may result in an abnormal transcript and altered protein product. This variant is expected to result in nonsense mediated decay, truncation, or a dysfunctional protein product. This variant is rare in the general population with a frequency below the threshold expected for the associated phenotype(s). Given the available evidence, this variant is classified as Likely Pathogenic.

NM_206933.4(USH2A):c.1143+1del

Gene: USH2A (usherin; minus strand). Cytogenetic location: 1q41.
Variant type: Deletion.
Coding change: c.1143+1del on transcript NM_206933.4 (MANE Select); the canonical splice donor site of the intron after coding-DNA position 1143, one base deleted (G; older notation c.1143+1delG).
Molecular consequence: splice donor variant.
Genome position (GRCh38, 1-based): chr1:216,325,304, C deleted on the plus strand (G on the coding strand, the reverse complement: USH2A is on the minus strand); the first of 2 consecutive C bases (chr1:216,325,304-216,325,305); deleting either gives the same sequence. VCF-style (leftmost placement, unchanged base first): chr1-216325303-AC-A. GRCh37 (hg19) VCF-style: chr1-216498645-AC-A.
Other names: c.1143+1del (NM_007123.6).
Identifiers: ClinVar variation 4817077 (VCV004817077.1).
Genomic context (GRCh38, chr1:216,325,303, plus strand): 5'-TTTGTGGGCATTTGTTGCAATAACCACAGGAAATTAATGTACACCTTATCGTTTCTCATT[AC>A]CTGATACTGTCCATTTTCCAAATCAACTGAAATAGTCACTCCTTGATTAAGCTGTGTAAT-3'